The following is an entry in ClinVar:

NM_003107.3(SOX4):c.372del (p.Asp125fs)

Gene: SOX4 (SRY-box transcription factor 4; plus strand). Cytogenetic location: 6p22.3.
Variant type: Deletion.
Coding change: c.372del on transcript NM_003107.3 (MANE Select); coding-DNA position 372, one base deleted (C; older notation c.372delC).
Protein change: p.Asp125fs; shifts the reading frame from aspartic acid 125.
Molecular consequence: frameshift variant.
Genome position (GRCh38, 1-based): chr6:21,594,906, C deleted; the last of 4 consecutive C bases (chr6:21,594,903-21,594,906); deleting any one gives the same sequence. VCF-style (leftmost placement, unchanged base first): chr6-21594902-AC-A. GRCh37 (hg19) VCF-style: chr6-21595133-AC-A.
Other names: short protein forms D125fs.
Identifiers: ClinVar variation 1810069 (VCV001810069.1), dbSNP rs2532639518, ClinGen allele CA2580074233.

ClinVar aggregate classification (germline): Uncertain significance (1 of 4 stars; one submission).

Submission:

GeneDx
Classification: Uncertain significance. Last evaluated: 2022-06-30. Review status: criteria provided, single submitter. Criteria: GeneDx Variant Classification Process June 2021. Collection method: clinical testing. Allele origin: germline. Affected: yes.
Comment: Not observed at significant frequency in large population cohorts (gnomAD); Frameshift variant predicted to result in protein truncation in a gene or region of a gene for which loss of function is not a well-established mechanism of disease; Has not been previously published as pathogenic or benign to our knowledge